The following is an entry in ClinVar:

NM_002739.5(PRKCG):c.263C>T (p.Ala88Val)

Gene: PRKCG (protein kinase C gamma; plus strand). Cytogenetic location: 19q13.42.
Variant type: single nucleotide variant.
Coding change: c.263C>T on transcript NM_002739.5 (MANE Select); coding-DNA position 263, C replaced by T.
Protein change: p.Ala88Val; replaces alanine 88 with valine.
Molecular consequence: missense variant.
Genome position (GRCh38, 1-based): chr19:53,884,221, C>T. VCF-style: chr19-53884221-C-T. GRCh37 (hg19) VCF-style: chr19-54387475-C-T.
Other names: c.263C>T, p.Ala88Val (NM_001316329.2); short protein forms A88V.
Identifiers: ClinVar variation 917564 (VCV000917564.1), dbSNP rs2068615098, ClinGen allele CA407413407.
Genomic context (GRCh38, chr19:53,884,221, plus strand): 5'-TCTGCAGCTTTGTGGTTCATCGACGATGCCACGAATTTGTGACCTTCGAGTGTCCAGGCG[C>T]TGGGAAGGGCCCCCAGACGGACGTGAGTGCTCGGACACCTGGTTCTCCTCCTCGGGCCGT-3'
Protein context (NP_002730.1, residues 78-98): HEFVTFECPG[Ala88Val]GKGPQTDDPR

ClinVar aggregate classification (germline): Uncertain significance (1 of 4 stars; one submission).

Submission:

Women's Health and Genetics/Laboratory Corporation of America, LabCorp
Classification: Uncertain significance. Last evaluated: 2020-01-20. Review status: criteria provided, single submitter. Criteria: LabCorp Variant Classification Summary - May 2015. Collection method: clinical testing. Allele origin: germline.
Comment: Variant summary: PRKCG c.263C>T (p.Ala88Val) results in a non-conservative amino acid change in the encoded protein sequence. Three of five in-silico tools predict a benign effect of the variant on protein function. The variant was absent in 251442 control chromosomes. The available data on variant occurrences in the general population are insufficient to allow any conclusion about variant significance. To our knowledge, no occurrence of c.263C>T in individuals affected with Spinocerebellar ataxia 14 and no experimental evidence demonstrating its impact on protein function have been reported. No clinical diagnostic laboratories have submitted clinical-significance assessments for this variant to ClinVar after 2014. Based on the evidence outlined above, the variant was classified as uncertain significance.